The following is an entry in ClinVar:

NM_015662.3(IFT172):c.2233C>T (p.Gln745Ter)

Gene: IFT172 (intraflagellar transport 172; minus strand). Cytogenetic location: 2p23.3.
Variant type: single nucleotide variant.
Coding change: c.2233C>T on transcript NM_015662.3 (MANE Select); coding-DNA position 2233, C replaced by T.
Protein change: p.Gln745Ter; replaces glutamine 745 with a stop codon.
Molecular consequence: nonsense.
Genome position (GRCh38, 1-based): chr2:27,461,478, G>A on the plus strand (C>T on the coding strand, the complement: IFT172 is on the minus strand). VCF-style: chr2-27461478-G-A. GRCh37 (hg19) VCF-style: chr2-27684345-G-A.
Other names: c.2167C>T, p.Gln723Ter (NM_001410739.1); short protein forms Q723*, Q745*.
Identifiers: ClinVar variation 2035232 (VCV002035232.4), dbSNP rs2465878804, ClinGen allele CA346384696.

ClinVar aggregate classification (germline): Pathogenic (1 of 4 stars; one submission).

Conditions:
Short-rib thoracic dysplasia 10 with or without polydactyly (SRTD10). Identifiers: Orphanet 474, MedGen C3810175, MONDO:0014284, OMIM 615630.
Retinitis pigmentosa 71 (RP71). Identifiers: Orphanet 791, MedGen C4225342, MONDO:0014618, OMIM 616394.

Submission:

Labcorp Genetics (formerly Invitae), Labcorp
Classification: Pathogenic for Retinitis pigmentosa 71; Short-rib thoracic dysplasia 10 with or without polydactyly. Last evaluated: 2022-10-12. Review status: criteria provided, single submitter. Criteria: Invitae Variant Classification Sherloc (09022015). Collection method: clinical testing. Allele origin: germline.
Comment: For these reasons, this variant has been classified as Pathogenic. This variant has not been reported in the literature in individuals affected with IFT172-related conditions. This variant is not present in population databases (gnomAD no frequency). This sequence change creates a premature translational stop signal (p.Gln745*) in the IFT172 gene. It is expected to result in an absent or disrupted protein product. Loss-of-function variants in IFT172 are known to be pathogenic (PMID: 24140113).

Literature cited by the submitters: PubMed 24140113.